The following is an entry in ClinVar:

ClinVar aggregate classification (germline): Uncertain significance (1 of 4 stars; one submission).

Submission:

Labcorp Genetics (formerly Invitae), Labcorp
Classification: Uncertain significance. Last evaluated: 2022-06-04. Review status: criteria provided, single submitter. Criteria: Invitae Variant Classification Sherloc (09022015). Collection method: clinical testing. Allele origin: germline.
Comment: This variant is not present in population databases (gnomAD no frequency). This sequence change replaces serine, which is neutral and polar, with phenylalanine, which is neutral and non-polar, at codon 688 of the NEDD4L protein (p.Ser688Phe). This variant has not been reported in the literature in individuals affected with NEDD4L-related conditions. ClinVar contains an entry for this variant (Variation ID: 1420719). Algorithms developed to predict the effect of missense changes on protein structure and function (SIFT, PolyPhen-2, Align-GVGD) all suggest that this variant is likely to be disruptive. In summary, the available evidence is currently insufficient to determine the role of this variant in disease. Therefore, it has been classified as a Variant of Uncertain Significance.

NM_001144967.3(NEDD4L):c.2123C>T (p.Ser708Phe)

Gene: NEDD4L (NEDD4 like E3 ubiquitin protein ligase; plus strand). Cytogenetic location: 18q21.31.
Variant type: single nucleotide variant.
Coding change: c.2123C>T on transcript NM_001144967.3 (MANE Select); coding-DNA position 2123, C replaced by T.
Protein change: p.Ser708Phe; replaces serine 708 with phenylalanine.
Molecular consequence: missense variant.
Genome position (GRCh38, 1-based): chr18:58,367,805, C>T. VCF-style: chr18-58367805-C-T. GRCh37 (hg19) VCF-style: chr18-56035037-C-T.
Other names: c.1760C>T, p.Ser587Phe (NM_001144964.1, NM_001144965.2, NM_001144966.3); c.2099C>T, p.Ser700Phe (NM_001144968.2); c.2039C>T, p.Ser680Phe (NM_001144969.2); c.1700C>T, p.Ser567Phe (NM_001144970.3, NM_001144971.2); c.1931C>T, p.Ser644Phe (NM_001243960.2); c.2063C>T, p.Ser688Phe (NM_015277.6); short protein forms S587F, S644F, S680F, S688F, S708F, S567F, S700F.
Identifiers: ClinVar variation 1420719 (VCV001420719.6), dbSNP rs2146159113, ClinGen allele CA402549874.
Genomic context (GRCh38, chr18:58,367,805, plus strand): 5'-GGGACAACTACACCCTTCAGATCAACCCTAATTCAGGCCTCTGTAATGAGGATCATTTGT[C>T]CTACTTCACTTTTATTGGAAGAGTTGCTGGTCTGGCCGTATTTCATGGGAAGCTCTTAGA-3'
Protein context (NP_001138439.1, residues 698-718): NSGLCNEDHL[Ser708Phe]YFTFIGRVAG